The following is an entry in ClinVar:

ClinVar aggregate classification (germline): Uncertain significance. Review status: criteria provided, multiple submitters, no conflicts (2 of 4 stars). 3 submissions from 3 submitters: Uncertain significance (3). Last evaluated 2026-01-21.

Conditions:
Saldino-Mainzer syndrome (SRTD9). Also called: CONORENAL SYNDROME; Renal dysplasia, retinal pigmentary dystrophy, cerebellar ataxia and skeletal dysplasia; SHORT-RIB THORACIC DYSPLASIA 9 WITHOUT POLYDACTYLY; short-rib thoracic dysplasia 9 with or without polydactyly. Identifiers: Orphanet 140969, MedGen C1849437, MONDO:0009964, OMIM 266920.
Retinitis pigmentosa 80 (RP80). Identifiers: MedGen C4540439, MONDO:0054708, OMIM 617781.
Inborn genetic diseases. Identifiers: MedGen C0950123, MeSH D030342.

Allele frequency attached by ClinVar (database versions not stated): gnomAD exomes below 0.00001 and 0.00001; gnomAD 0.00001; TOPMed 0.00001; ExAC 0.00002.
gnomAD v4.1: 16 of 1,596,914 alleles (0.001%); highest among the groups gnomAD compares: Non-Finnish European, 0.0014%; no homozygotes.

Submissions (3):

Ambry Genetics
Classification: Uncertain significance for Inborn genetic diseases. Last evaluated: 2026-01-21. Review status: criteria provided, single submitter. Criteria: Ambry Variant Classification Scheme 2023. Collection method: clinical testing. Allele origin: germline.

Labcorp Genetics (formerly Invitae), Labcorp
Classification: Uncertain significance for Saldino-Mainzer syndrome. Last evaluated: 2022-07-26. Review status: criteria provided, single submitter. Criteria: Invitae Variant Classification Sherloc (09022015). Collection method: clinical testing. Allele origin: germline.
Comment: This sequence change replaces lysine, which is basic and polar, with asparagine, which is neutral and polar, at codon 1211 of the IFT140 protein (p.Lys1211Asn). The frequency data for this variant in the population databases is considered unreliable, as metrics indicate poor data quality at this position in the gnomAD database. This variant has not been reported in the literature in individuals affected with IFT140-related conditions. ClinVar contains an entry for this variant (Variation ID: 1367751). Algorithms developed to predict the effect of missense changes on protein structure and function are either unavailable or do not agree on the potential impact of this missense change (SIFT: "Deleterious"; PolyPhen-2: "Probably Damaging"; Align-GVGD: "Class C0"). In summary, the available evidence is currently insufficient to determine the role of this variant in disease. Therefore, it has been classified as a Variant of Uncertain Significance.

Fulgent Genetics
Classification: Uncertain significance for Saldino-Mainzer syndrome; Retinitis pigmentosa 80. Last evaluated: 2022-02-02. Review status: criteria provided, single submitter. Criteria: ACMG Guidelines, 2015. Collection method: clinical testing. Allele origin: unknown.

NM_014714.4(IFT140):c.3633G>C (p.Lys1211Asn)

Gene: IFT140 (intraflagellar transport 140; minus strand). Cytogenetic location: 16p13.3.
Variant type: single nucleotide variant.
Coding change: c.3633G>C on transcript NM_014714.4 (MANE Select); coding-DNA position 3633, G replaced by C.
Protein change: p.Lys1211Asn; replaces lysine 1211 with asparagine.
Molecular consequence: missense variant.
Genome position (GRCh38, 1-based): chr16:1,520,629, C>G on the plus strand (G>C on the coding strand, the complement: IFT140 is on the minus strand). VCF-style: chr16-1520629-C-G. GRCh37 (hg19) VCF-style: chr16-1570630-C-G.
Other names: c.3633G>C (NM_014714.3); short protein forms K1211N.
Identifiers: ClinVar variation 1367751 (VCV001367751.8), dbSNP rs771772194, ClinGen allele CA7813094.